The following is an entry in ClinVar:

ClinVar aggregate classification (germline): Uncertain significance. Review status: criteria provided, multiple submitters, no conflicts (2 of 4 stars). 3 submissions from 3 submitters: Uncertain significance (3). Last evaluated 2026-04-03.

Conditions:
Inborn genetic diseases. Identifiers: MedGen C0950123, MeSH D030342.

Allele frequency attached by ClinVar (database versions not stated): ExAC 0.00002; gnomAD exomes 0.00001; TOPMed 0.00001.
gnomAD v4.1: 14 of 1,612,928 alleles (0.00087%); highest among the groups gnomAD compares: Non-Finnish European, 0.00017%; no homozygotes.

Submissions (3):

GeneDx
Classification: Uncertain significance. Last evaluated: 2026-04-03. Review status: criteria provided, single submitter. Criteria: GeneDx Variant Classification Process June 2021. Collection method: clinical testing. Allele origin: germline.
Comment: In silico analysis supports that this missense variant has a deleterious effect on protein structure/function; Has not been previously published as pathogenic or benign to our knowledge

Labcorp Genetics (formerly Invitae), Labcorp
Classification: Uncertain significance. Last evaluated: 2024-01-31. Review status: criteria provided, single submitter. Criteria: Invitae Variant Classification Sherloc (09022015). Collection method: clinical testing. Allele origin: germline.
Comment: This sequence change replaces asparagine, which is neutral and polar, with lysine, which is basic and polar, at codon 797 of the DNA2 protein (p.Asn797Lys). This variant is present in population databases (rs749875611, gnomAD 0.04%). This variant has not been reported in the literature in individuals affected with DNA2-related conditions. ClinVar contains an entry for this variant (Variation ID: 2406471). Advanced modeling of protein sequence and biophysical properties (such as structural, functional, and spatial information, amino acid conservation, physicochemical variation, residue mobility, and thermodynamic stability) performed at Invitae indicates that this missense variant is expected to disrupt DNA2 protein function with a positive predictive value of 80%. In summary, the available evidence is currently insufficient to determine the role of this variant in disease. Therefore, it has been classified as a Variant of Uncertain Significance.

Ambry Genetics
Classification: Uncertain significance for Inborn genetic diseases. Last evaluated: 2021-06-21. Review status: criteria provided, single submitter. Criteria: Ambry Variant Classification Scheme 2023. Collection method: clinical testing. Allele origin: germline.

NM_001080449.3(DNA2):c.2391C>A (p.Asn797Lys)

Gene: DNA2 (DNA replication helicase/nuclease 2; minus strand). Cytogenetic location: 10q21.3.
Variant type: single nucleotide variant.
Coding change: c.2391C>A on transcript NM_001080449.3 (MANE Select); coding-DNA position 2391, C replaced by A.
Protein change: p.Asn797Lys; replaces asparagine 797 with lysine.
Molecular consequence: missense variant. On other transcripts: non-coding transcript variant (1).
Genome position (GRCh38, 1-based): chr10:68,422,708, G>T on the plus strand (C>A on the coding strand, the complement: DNA2 is on the minus strand). VCF-style: chr10-68422708-G-T. GRCh37 (hg19) VCF-style: chr10-70182465-G-T.
Other names: short protein forms N797K.
Identifiers: ClinVar variation 2406471 (VCV002406471.6), dbSNP rs749875611, ClinGen allele CA5524835.